The following is an entry in ClinVar:

ClinVar aggregate classification (germline): Uncertain significance (1 of 4 stars; one submission).

Allele frequency attached by ClinVar (database versions not stated): TOPMed 0.00001.

Submission:

Labcorp Genetics (formerly Invitae), Labcorp
Classification: Uncertain significance. Last evaluated: 2023-09-07. Review status: criteria provided, single submitter. Criteria: Invitae Variant Classification Sherloc (09022015). Collection method: clinical testing. Allele origin: germline.
Comment: This variant is not present in population databases (gnomAD no frequency). In summary, the available evidence is currently insufficient to determine the role of this variant in disease. Therefore, it has been classified as a Variant of Uncertain Significance. Algorithms developed to predict the effect of sequence changes on RNA splicing suggest that this variant may disrupt the consensus splice site. ClinVar contains an entry for this variant (Variation ID: 2104824). This variant has not been reported in the literature in individuals affected with GSN-related conditions. This sequence change affects an acceptor splice site in intron 13 of the GSN gene. It is expected to disrupt RNA splicing. Variants that disrupt the donor or acceptor splice site typically lead to a loss of protein function (PMID: 16199547), however the current clinical and genetic evidence is not sufficient to establish whether loss-of-function variants in GSN cause disease.

Literature cited by the submitters: PubMed 16199547.

NM_198252.3(GSN):c.1763-2A>G

Gene: GSN (gelsolin; plus strand). Cytogenetic location: 9q33.2.
Variant type: single nucleotide variant.
Coding change: c.1763-2A>G on transcript NM_198252.3 (MANE Select); the canonical splice acceptor site of the intron before coding-DNA position 1763, A replaced by G.
Molecular consequence: splice acceptor variant.
Genome position (GRCh38, 1-based): chr9:121,328,889, A>G. VCF-style: chr9-121328889-A-G. GRCh37 (hg19) VCF-style: chr9-124091167-A-G.
Other names: c.1763-2A>G (NM_001353054.1, NM_001353053.1, NM_001353060.2 and 10 more transcripts); c.1796-2A>G (NM_001353064.2, NM_001353066.2, NM_001353073.2 and 13 more transcripts); c.1871-2A>G (NM_001127663.2); c.1835-2A>G (NM_001353076.2); c.1109-2A>G (NM_001353078.2); c.1814-2A>G (NM_001258029.2); c.1787-2A>G (NM_001258030.2); c.1916-2A>G (NM_000177.5).
Identifiers: ClinVar variation 2104824 (VCV002104824.4), dbSNP rs1336342605, ClinGen allele CA374757372.